The following is an entry in ClinVar:

NM_001329943.3(KIAA0586):c.2462T>C (p.Ile821Thr)

Gene: KIAA0586 (KIAA0586; plus strand). Cytogenetic location: 14q23.1.
Variant type: single nucleotide variant.
Coding change: c.2462T>C on transcript NM_001329943.3 (MANE Select); coding-DNA position 2462, T replaced by C.
Protein change: p.Ile821Thr; replaces isoleucine 821 with threonine.
Molecular consequence: missense variant.
Genome position (GRCh38, 1-based): chr14:58,470,632, T>C. VCF-style: chr14-58470632-T-C. GRCh37 (hg19) VCF-style: chr14-58937350-T-C.
Other names: c.2621T>C, p.Ile874Thr (NM_001244189.2); c.2417T>C, p.Ile806Thr (NM_001244190.2); c.2207T>C, p.Ile736Thr (NM_001244191.2, NM_001329945.2, NM_001364700.1 and 1 more transcripts); c.2330T>C, p.Ile777Thr (NM_001244192.2); c.2042T>C, p.Ile681Thr (NM_001244193.2); c.2462T>C, p.Ile821Thr (NM_001329944.2, NM_001329946.2, NM_001329947.2); c.2234T>C, p.Ile745Thr (NM_014749.5); c.2234T>C (NM_014749.3); short protein forms I681T, I777T, I745T, I806T, I821T, I874T, I736T.
Identifiers: ClinVar variation 1488285 (VCV001488285.7), dbSNP rs1320727649, ClinGen allele CA389876111.
Genomic context (GRCh38, chr14:58,470,632, plus strand): 5'-AAAATGATAAACAGAAAGCTGAATGTTGTATTCTGTTTTAGGTATTACCCAGTGTAGATA[T>C]TGACAGCATTTCAAATAGTAGTGCTGATGTCCTTTCACCTCTGTCTAGCCCCAAAGAAGC-3'
Protein context (NP_001316872.1, residues 811-831): LTVQVLPSVD[Ile821Thr]DSISNSSADV

ClinVar aggregate classification (germline): Uncertain significance. Review status: criteria provided, multiple submitters, no conflicts (2 of 4 stars). 2 submissions from 2 submitters: Uncertain significance (2). Last evaluated 2025-11-08.

Conditions:
Joubert syndrome 23 (JBTS23). Identifiers: Orphanet 475, MedGen C4084822, MONDO:0014664, OMIM 616490.
Short-rib thoracic dysplasia 14 with polydactyly (SRTD14). Identifiers: Orphanet 397715, MedGen C4225286, MONDO:0014688, OMIM 616546.
Inborn genetic diseases. Identifiers: MedGen C0950123, MeSH D030342.

gnomAD v4.1: 3 of 1,601,892 alleles (0.00019%); highest among the groups gnomAD compares: Middle Eastern, 0.017%; no homozygotes.

Submissions (2):

Ambry Genetics
Classification: Uncertain significance for Inborn genetic diseases. Last evaluated: 2025-11-08. Review status: criteria provided, single submitter. Criteria: Ambry Variant Classification Scheme 2023. Collection method: clinical testing. Allele origin: germline.

Labcorp Genetics (formerly Invitae), Labcorp
Classification: Uncertain significance for Joubert syndrome 23; Short-rib thoracic dysplasia 14 with polydactyly. Last evaluated: 2024-10-29. Review status: criteria provided, single submitter. Criteria: Invitae Variant Classification Sherloc (09022015). Collection method: clinical testing. Allele origin: germline.
Comment: This sequence change replaces isoleucine, which is neutral and non-polar, with threonine, which is neutral and polar, at codon 874 of the KIAA0586 protein (p.Ile874Thr). This variant is not present in population databases (gnomAD no frequency). This variant has not been reported in the literature in individuals affected with KIAA0586-related conditions. ClinVar contains an entry for this variant (Variation ID: 1488285). Invitae Evidence Modeling of protein sequence and biophysical properties (such as structural, functional, and spatial information, amino acid conservation, physicochemical variation, residue mobility, and thermodynamic stability) indicates that this missense variant is expected to disrupt KIAA0586 protein function with a positive predictive value of 80%. In summary, the available evidence is currently insufficient to determine the role of this variant in disease. Therefore, it has been classified as a Variant of Uncertain Significance.